The following is an entry in ClinVar:

NM_002900.3(RBP3):c.740A>G (p.Lys247Arg)

Gene: RBP3 (retinol binding protein 3; plus strand). Cytogenetic location: 10q11.22.
Variant type: single nucleotide variant.
Coding change: c.740A>G on transcript NM_002900.3 (MANE Select); coding-DNA position 740, A replaced by G.
Protein change: p.Lys247Arg; replaces lysine 247 with arginine.
Molecular consequence: missense variant.
Genome position (GRCh38, 1-based): chr10:47,349,224, A>G. VCF-style: chr10-47349224-A-G. GRCh37 (hg19) VCF-style: chr10-48390138-T-C.
Other names: short protein forms K247R.
Identifiers: ClinVar variation 1928742 (VCV001928742.5), dbSNP rs2549027978, ClinGen allele CA376666296.

ClinVar aggregate classification (germline): Uncertain significance (1 of 4 stars; one submission).

Submission:

Labcorp Genetics (formerly Invitae), Labcorp
Classification: Uncertain significance. Last evaluated: 2025-05-05. Review status: criteria provided, single submitter. Criteria: Invitae Variant Classification Sherloc (09022015). Collection method: clinical testing. Allele origin: germline.
Comment: This sequence change replaces lysine, which is basic and polar, with arginine, which is basic and polar, at codon 247 of the RBP3 protein (p.Lys247Arg). This variant is not present in population databases (gnomAD no frequency). This variant has not been reported in the literature in individuals affected with RBP3-related conditions. ClinVar contains an entry for this variant (Variation ID: 1928742). Invitae Evidence Modeling of protein sequence and biophysical properties (such as structural, functional, and spatial information, amino acid conservation, physicochemical variation, residue mobility, and thermodynamic stability) indicates that this missense variant is not expected to disrupt RBP3 protein function with a negative predictive value of 80%. In summary, the available evidence is currently insufficient to determine the role of this variant in disease. Therefore, it has been classified as a Variant of Uncertain Significance.